The following is an entry in ClinVar:

NM_000277.3(PAH):c.697T>A (p.Phe233Ile)

Gene: PAH (phenylalanine hydroxylase; minus strand). Cytogenetic location: 12q23.2.
Variant type: single nucleotide variant.
Coding change: c.697T>A on transcript NM_000277.3 (MANE Select); coding-DNA position 697, T replaced by A.
Protein change: p.Phe233Ile; replaces phenylalanine 233 with isoleucine.
Molecular consequence: missense variant.
Genome position (GRCh38, 1-based): chr12:102,855,145, A>T on the plus strand (T>A on the coding strand, the complement: PAH is on the minus strand). VCF-style: chr12-102855145-A-T. GRCh37 (hg19) VCF-style: chr12-103248923-A-T.
Other names: c.697T>A, p.Phe233Ile (NM_001354304.2); short protein forms F233I.
Identifiers: ClinVar variation 619163 (VCV000619163.2), dbSNP rs1565848061, ClinGen allele CA16020843.

ClinVar aggregate classification (germline): Pathogenic (3 of 4 stars; one submission).

Conditions:
Phenylketonuria (PKU). Also called: OLIGOPHRENIA PHENYLPYRUVICA; Phenylketonurias; FOLLING DISEASE; Phenylketonuria (PKU). Identifiers: Orphanet 716, MedGen C0031485, MONDO:0009861, OMIM 261600. Disease mechanism: loss of function.

Submission:

ClinGen PAH Variant Curation Expert Panel
Classification: Pathogenic for Phenylketonuria. Last evaluated: 2018-12-10. Review status: reviewed by expert panel. Criteria: ClinGen PAH ACMG Specifications v1. Collection method: curation. Allele origin: germline. Inheritance: Autosomal recessive inheritance.
Comment: The c.697T>A (p.Phe233Ile) variant in PAH has been reported in 2 unrelated patients with PKU (BH4 deficiency excluded) and was detected with known pathogenic variants p.R408W and p.V245A. (PP4_Moderate, PM3_Strong; PMID: 23764561). This variant is absent in population databases (PM2). This variant showed no specific activity in functional assay and no response to chaperone co-expression (PS3; PMID: 28653649). Computational prediction tools and conservation analysis suggest this variant may impact the protein (PP3). In summary, this variant meets criteria to be classified as pathogenic for PAH. PAH-specific ACMG/AMP criteria applied: PP4_Moderate, PS3, PM3_strong, PM2, PP3.

Literature cited by the submitters: PubMed 28653649; PubMed 23764561.